The following is an entry in ClinVar:

ClinVar aggregate classification (germline): Uncertain significance. Review status: criteria provided, multiple submitters, no conflicts (2 of 4 stars). 3 submissions from 3 submitters: Uncertain significance (3). Last evaluated 2026-07-06.

Conditions:
Hereditary cancer-predisposing syndrome. Also called: Tumor predisposition; Hereditary neoplastic syndrome; Neoplastic Syndromes, Hereditary; Hereditary Cancer Syndrome. Identifiers: Orphanet 140162, MedGen C0027672, MeSH D009386, MONDO:0015356.
Hereditary diffuse gastric adenocarcinoma (HDGC). Also called: DIFFUSE GASTRIC AND LOBULAR BREAST CANCER SYNDROME. Identifiers: Orphanet 26106, MedGen C1708349, MONDO:0007648, OMIM 137215.

Allele frequency attached by ClinVar (database versions not stated): gnomAD exomes below 0.00001.
gnomAD v4.1: 1 of 1,614,184 alleles (0.000062%); highest among the groups gnomAD compares: Non-Finnish European, 0.000085%; no homozygotes.

Submissions (3):

Ambry Genetics
Classification: Uncertain significance for Hereditary cancer-predisposing syndrome. Last evaluated: 2026-07-06. Review status: criteria provided, single submitter. Criteria: Ambry Variant Classification Scheme 2023. Collection method: clinical testing. Allele origin: germline.
Comment: The p.F205L variant (also known as c.613T>C), located in coding exon 5 of the CDH1 gene, results from a T to C substitution at nucleotide position 613. The phenylalanine at codon 205 is replaced by leucine, an amino acid with highly similar properties. This amino acid position is highly conserved in available vertebrate species. In addition, this alteration is predicted to be deleterious by in silico analysis. Based on the available evidence, the clinical significance of this variant remains unclear.

Labcorp Genetics (formerly Invitae), Labcorp
Classification: Uncertain significance for Hereditary diffuse gastric adenocarcinoma. Last evaluated: 2023-12-09. Review status: criteria provided, single submitter. Criteria: Invitae Variant Classification Sherloc (09022015). Collection method: clinical testing. Allele origin: germline.
Comment: This sequence change replaces phenylalanine, which is neutral and non-polar, with leucine, which is neutral and non-polar, at codon 205 of the CDH1 protein (p.Phe205Leu). This variant is not present in population databases (gnomAD no frequency). This variant has not been reported in the literature in individuals affected with CDH1-related conditions. ClinVar contains an entry for this variant (Variation ID: 843579). An algorithm developed to predict the effect of missense changes on protein structure and function (PolyPhen-2) suggests that this variant is likely to be disruptive. In summary, the available evidence is currently insufficient to determine the role of this variant in disease. Therefore, it has been classified as a Variant of Uncertain Significance.

Color Diagnostics, LLC DBA Color Health
Classification: Uncertain significance for Hereditary cancer-predisposing syndrome. Last evaluated: 2023-12-04. Review status: criteria provided, single submitter. Criteria: ACMG Guidelines, 2015. Collection method: clinical testing. Allele origin: germline.
Comment: This missense variant replaces phenylalanine with leucine at codon 205 of the CDH1 protein. To our knowledge, functional studies have not been reported for this variant. This variant has not been reported in individuals affected with hereditary cancer in the literature. This variant has not been identified in the general population by the Genome Aggregation Database (gnomAD). The available evidence is insufficient to determine the role of this variant in disease conclusively. Therefore, this variant is classified as a Variant of Uncertain Significance.

NM_004360.5(CDH1):c.613T>C (p.Phe205Leu)

Gene: CDH1 (cadherin 1; plus strand). Cytogenetic location: 16q22.1.
Variant type: single nucleotide variant.
Coding change: c.613T>C on transcript NM_004360.5 (MANE Select); coding-DNA position 613, T replaced by C.
Protein change: p.Phe205Leu; replaces phenylalanine 205 with leucine.
Molecular consequence: missense variant. On other transcripts: 5 prime UTR variant (2).
Genome position (GRCh38, 1-based): chr16:68,808,774, T>C. VCF-style: chr16-68808774-T-C. GRCh37 (hg19) VCF-style: chr16-68842677-T-C.
Other names: c.613T>C, p.Phe205Leu (NM_001317184.2); c.-1003T>C (NM_001317185.2); c.-1207T>C (NM_001317186.2); short protein forms F205L.
Identifiers: ClinVar variation 843579 (VCV000843579.13), dbSNP rs1960739930, ClinGen allele CA396458009.